The following is an entry in ClinVar:

NM_001349253.2(SCN11A):c.2835+2392A>C

Gene: SCN11A (sodium voltage-gated channel alpha subunit 11; minus strand). Cytogenetic location: 3p22.2.
Variant type: single nucleotide variant.
Coding change: c.2835+2392A>C on transcript NM_001349253.2 (MANE Select); 2392 bases into the intron after coding-DNA position 2835, A replaced by C.
Molecular consequence: intron variant.
Genome position (GRCh38, 1-based): chr3:38,892,141, T>G on the plus strand (A>C on the coding strand, the complement: SCN11A is on the minus strand). VCF-style: chr3-38892141-T-G. GRCh37 (hg19) VCF-style: chr3-38933632-T-G.
Other names: c.2835+2392A>C (NM_014139.3).
Identifiers: ClinVar variation 1711570 (VCV001711570.30), dbSNP rs566747948, ClinGen allele CA72995658.
Genomic context (GRCh38, chr3:38,892,141, plus strand): 5'-CTGACCTTGCATTAGAAATAATGGAGACCAAAAGGCAGTGATATGATATATTCAAAGTGC[T>G]GAAAGAAAAAACAACAGTGAACCAAGATTTTTATATCTAGTGAGGCTATCTTTCAAAAAT-3'

ClinVar aggregate classification (germline): Benign (1 of 4 stars; one submission).

Allele frequency attached by ClinVar (database versions not stated): 1000 Genomes Project 0.00020; 1000 Genomes Project 30x 0.00031; gnomAD 0.00040; TOPMed 0.00042.
gnomAD v4.1: 60 of 152,226 alleles (0.039%); highest among the groups gnomAD compares: African/African-American, 0.13%; no homozygotes.

Submission:

CeGaT Center for Human Genetics Tuebingen
Classification: Benign. Last evaluated: 2022-09-01. Review status: criteria provided, single submitter. Criteria: CeGaT Center For Human Genetics Tuebingen Variant Classification Criteria Version 2. Collection method: clinical testing. Allele origin: germline. Affected: yes. Observed: 1 variant allele.
Comment: SCN11A: BS1, BS2